The following is an entry in ClinVar:

NM_001365276.2(TNXB):c.9716A>T (p.Glu3239Val)

Gene: TNXB (tenascin XB; minus strand). Cytogenetic location: 6p21.33.
Variant type: single nucleotide variant.
Coding change: c.9716A>T on transcript NM_001365276.2 (MANE Select); coding-DNA position 9716, A replaced by T.
Protein change: p.Glu3239Val; replaces glutamic acid 3239 with valine.
Molecular consequence: missense variant.
Genome position (GRCh38, 1-based): chr6:32,049,311, T>A on the plus strand (A>T on the coding strand, the complement: TNXB is on the minus strand). VCF-style: chr6-32049311-T-A. GRCh37 (hg19) VCF-style: chr6-32017088-T-A.
Other names: c.9710A>T, p.Glu3237Val (NM_019105.8); short protein forms E3239V, E3237V.
Identifiers: ClinVar variation 1767955 (VCV001767955.2), dbSNP rs2483422377, ClinGen allele CA363537779.

ClinVar aggregate classification (germline): Uncertain significance (1 of 4 stars; one submission).

Conditions:
Cardiovascular phenotype. Identifiers: MedGen CN230736.

Submission:

Ambry Genetics
Classification: Uncertain significance for Cardiovascular phenotype. Last evaluated: 2022-05-30. Review status: criteria provided, single submitter. Criteria: Ambry Variant Classification Scheme 2023. Collection method: clinical testing. Allele origin: germline.
Comment: The p.E3237V variant (also known as c.9710A>T), located in coding exon 27 of the TNXB gene, results from an A to T substitution at nucleotide position 9710. The glutamic acid at codon 3237 is replaced by valine, an amino acid with dissimilar properties. This amino acid position is conserved. In addition, this alteration is predicted to be tolerated by in silico analysis. Since supporting evidence is limited at this time, the clinical significance of this alteration remains unclear.